The following is an entry in ClinVar:

ClinVar aggregate classification (germline): Benign. Review status: criteria provided, single submitter (1 of 4 stars). 2 submissions from 2 submitters: Benign (1). 1 of the submissions does not count toward it. Last evaluated 2025-12-18.

Conditions:
ADAMTS9-related disorder. Also called: ADAMTS9-related condition.

Allele frequency attached by ClinVar (database versions not stated): 1000 Genomes Project 30x 0.00812; 1000 Genomes Project 0.00859.
gnomAD v4.1: 3,458 of 1,613,906 alleles (0.21%); highest among the groups gnomAD compares: South Asian, 3.6%; 96 homozygotes.

Submissions (2):

Labcorp Genetics (formerly Invitae), Labcorp
Classification: Benign. Last evaluated: 2025-12-18. Review status: criteria provided, single submitter. Criteria: Invitae Variant Classification Sherloc (09022015). Collection method: clinical testing. Allele origin: germline.

PreventionGenetics, part of Exact Sciences
Classification: Benign for ADAMTS9-related condition. Last evaluated: 2019-05-13. Review status: no assertion criteria provided. Collection method: clinical testing. Allele origin: germline. Not counted in ClinVar's aggregate classification.
Comment: This variant is classified as benign based on ACMG/AMP sequence variant interpretation guidelines (Richards et al. 2015 PMID: 25741868, with internal and published modifications).

NM_182920.2(ADAMTS9):c.2763G>C (p.Leu921=)

Gene: ADAMTS9 (ADAM metallopeptidase with thrombospondin type 1 motif 9; minus strand). Cytogenetic location: 3p14.1.
Variant type: single nucleotide variant.
Coding change: c.2763G>C on transcript NM_182920.2 (MANE Select); coding-DNA position 2763, G replaced by C.
Protein change: p.Leu921=; no amino-acid change (leucine 921 retained).
Molecular consequence: synonymous variant.
Genome position (GRCh38, 1-based): chr3:64,621,164, C>G on the plus strand (G>C on the coding strand, the complement: ADAMTS9 is on the minus strand). VCF-style: chr3-64621164-C-G. GRCh37 (hg19) VCF-style: chr3-64606840-C-G.
Other names: c.2679G>C, p.Leu893= (NM_001318781.2); c.2763G>C (NM_182920.1).
Identifiers: ClinVar variation 2049544 (VCV002049544.6), dbSNP rs149253049, ClinGen allele CA2481088.